The following continues an entry in ClinVar:

NM_000492.3(CFTR):c.1521_1523del (p.Phe508del)

ClinVar aggregate classification (germline): Pathogenic. Pathogenic (1).

Literature cited by the submitters, continued: PubMed 21658649 (cited by Rady Children's Institute for Genomic Medicine, Rady Children's Hospital San Diego); PubMed 22081250 (cited by Rady Children's Institute for Genomic Medicine, Rady Children's Hospital San Diego); PubMed 24624459 (cited by Rady Children's Institute for Genomic Medicine, Rady Children's Hospital San Diego); PubMed 27189798 (cited by Rady Children's Institute for Genomic Medicine, Rady Children's Hospital San Diego); PubMed 27738188 (cited by Rady Children's Institute for Genomic Medicine, Rady Children's Hospital San Diego and Dasa); PubMed 30030066 (cited by Rady Children's Institute for Genomic Medicine, Rady Children's Hospital San Diego and Dasa); PubMed 31882447 (cited by Rady Children's Institute for Genomic Medicine, Rady Children's Hospital San Diego); PubMed 35650428 (cited by Rady Children's Institute for Genomic Medicine, Rady Children's Hospital San Diego); PubMed 36498475 (cited by Rady Children's Institute for Genomic Medicine, Rady Children's Hospital San Diego); PubMed 36404349 (cited by Center for Genomic Medicine, Rigshospitalet, Copenhagen University Hospital); PubMed 28617084 (cited by Center for Genomic Medicine, Rigshospitalet, Copenhagen University Hospital and Quest Diagnostics Nichols Institute San Juan Capistrano); PubMed 7789957 (cited by Center for Genomic Medicine, Rigshospitalet, Copenhagen University Hospital and Quest Diagnostics Nichols Institute San Juan Capistrano); PubMed 20667826 (cited by Center for Genomic Medicine, Rigshospitalet, Copenhagen University Hospital and Quest Diagnostics Nichols Institute San Juan Capistrano); PubMed 21486785 (cited by Center for Genomic Medicine, Rigshospitalet, Copenhagen University Hospital and Quest Diagnostics Nichols Institute San Juan Capistrano); PubMed 1379413 (cited by 3 submitters); PubMed 2570460 (cited by 5 submitters); PubMed 7560099 (cited by Molecular Genetics, Royal Melbourne Hospital and Genetics and Molecular Pathology, SA Pathology); PubMed 8092189 (cited by Molecular Genetics, Royal Melbourne Hospital and Genetics and Molecular Pathology, SA Pathology); PubMed 25910067 (cited by Molecular Genetics, Royal Melbourne Hospital); PubMed 38003474 (cited by Quest Diagnostics Nichols Institute San Juan Capistrano); PubMed 38198345 (cited by Quest Diagnostics Nichols Institute San Juan Capistrano); PubMed 26618866 (cited by Quest Diagnostics Nichols Institute San Juan Capistrano and OMIM); PubMed 2378364 (cited by Quest Diagnostics Nichols Institute San Juan Capistrano); PubMed 23951356 (cited by Quest Diagnostics Nichols Institute San Juan Capistrano); PubMed 10950058 (cited by Quest Diagnostics Nichols Institute San Juan Capistrano); PubMed 15141088 (cited by 3 submitters); PubMed 26574590 (cited by Quest Diagnostics Nichols Institute San Juan Capistrano); PubMed 18234567 (cited by Quest Diagnostics Nichols Institute San Juan Capistrano); PubMed 19227414 (cited by Quest Diagnostics Nichols Institute San Juan Capistrano); PubMed 19837664 (cited by Quest Diagnostics Nichols Institute San Juan Capistrano and AiLife Diagnostics); PubMed 19878303 (cited by Quest Diagnostics Nichols Institute San Juan Capistrano); PubMed 19885835 (cited by Quest Diagnostics Nichols Institute San Juan Capistrano); PubMed 19925455 (cited by Quest Diagnostics Nichols Institute San Juan Capistrano); PubMed 20021716 (cited by Quest Diagnostics Nichols Institute San Juan Capistrano); PubMed 20628052 (cited by Quest Diagnostics Nichols Institute San Juan Capistrano and AiLife Diagnostics); PubMed 20687163 (cited by Quest Diagnostics Nichols Institute San Juan Capistrano); PubMed 20696241 (cited by Quest Diagnostics Nichols Institute San Juan Capistrano); PubMed 20977904 (cited by Quest Diagnostics Nichols Institute San Juan Capistrano); PubMed 21097845 (cited by Quest Diagnostics Nichols Institute San Juan Capistrano); PubMed 21111762 (cited by Quest Diagnostics Nichols Institute San Juan Capistrano and AiLife Diagnostics); PubMed 21152102 (cited by Quest Diagnostics Nichols Institute San Juan Capistrano); PubMed 21411740 (cited by Quest Diagnostics Nichols Institute San Juan Capistrano); PubMed 21520337 (cited by Quest Diagnostics Nichols Institute San Juan Capistrano); PubMed 21594800 (cited by Quest Diagnostics Nichols Institute San Juan Capistrano and AiLife Diagnostics); PubMed 21907281 (cited by Quest Diagnostics Nichols Institute San Juan Capistrano); PubMed 21965669 (cited by Quest Diagnostics Nichols Institute San Juan Capistrano); PubMed 21983488 (cited by Quest Diagnostics Nichols Institute San Juan Capistrano and AiLife Diagnostics); PubMed 22020151 (cited by Quest Diagnostics Nichols Institute San Juan Capistrano and AiLife Diagnostics); PubMed 22332135 (cited by Quest Diagnostics Nichols Institute San Juan Capistrano); PubMed 22369017 (cited by Quest Diagnostics Nichols Institute San Juan Capistrano); PubMed 22427236 (cited by Quest Diagnostics Nichols Institute San Juan Capistrano); PubMed 22449949 (cited by Quest Diagnostics Nichols Institute San Juan Capistrano); PubMed 22569626 (cited by Quest Diagnostics Nichols Institute San Juan Capistrano); PubMed 22658665 (cited by Quest Diagnostics Nichols Institute San Juan Capistrano); PubMed 22680785 (cited by Quest Diagnostics Nichols Institute San Juan Capistrano); PubMed 22975760 (cited by Quest Diagnostics Nichols Institute San Juan Capistrano); PubMed 22999299 (cited by Quest Diagnostics Nichols Institute San Juan Capistrano); PubMed 23067305 (cited by Quest Diagnostics Nichols Institute San Juan Capistrano); PubMed 23104983 (cited by Quest Diagnostics Nichols Institute San Juan Capistrano); PubMed 10103316 (cited by Quest Diagnostics Nichols Institute San Juan Capistrano and AiLife Diagnostics); PubMed 10425036 (cited by Quest Diagnostics Nichols Institute San Juan Capistrano and AiLife Diagnostics); PubMed 10963013 (cited by Quest Diagnostics Nichols Institute San Juan Capistrano); PubMed 11186891 (cited by Quest Diagnostics Nichols Institute San Juan Capistrano); PubMed 11547256 (cited by Quest Diagnostics Nichols Institute San Juan Capistrano); PubMed 11924117 (cited by Quest Diagnostics Nichols Institute San Juan Capistrano and AiLife Diagnostics); PubMed 12400067 (cited by Quest Diagnostics Nichols Institute San Juan Capistrano); PubMed 14618962 (cited by Quest Diagnostics Nichols Institute San Juan Capistrano); PubMed 15246977 (cited by Quest Diagnostics Nichols Institute San Juan Capistrano and Division of Human Genetics, Children's Hospital of Philadelphia); PubMed 15482777 (cited by Quest Diagnostics Nichols Institute San Juan Capistrano); PubMed 15640323 (cited by Quest Diagnostics Nichols Institute San Juan Capistrano); PubMed 15905293 (cited by Quest Diagnostics Nichols Institute San Juan Capistrano); PubMed 16075239 (cited by Quest Diagnostics Nichols Institute San Juan Capistrano); PubMed 16283887 (cited by Quest Diagnostics Nichols Institute San Juan Capistrano and AiLife Diagnostics); PubMed 16478680 (cited by Quest Diagnostics Nichols Institute San Juan Capistrano and AiLife Diagnostics); PubMed 17035430 (cited by Quest Diagnostics Nichols Institute San Juan Capistrano); PubMed 17048214 (cited by Quest Diagnostics Nichols Institute San Juan Capistrano); PubMed 1715308 (cited by Quest Diagnostics Nichols Institute San Juan Capistrano and AiLife Diagnostics); PubMed 17175965 (cited by Quest Diagnostics Nichols Institute San Juan Capistrano); PubMed 17206681 (cited by 3 submitters); PubMed 1723032 (cited by Quest Diagnostics Nichols Institute San Juan Capistrano); PubMed 18180206 (cited by Quest Diagnostics Nichols Institute San Juan Capistrano and AiLife Diagnostics); PubMed 18394117 (cited by Quest Diagnostics Nichols Institute San Juan Capistrano); PubMed 18456578 (cited by Quest Diagnostics Nichols Institute San Juan Capistrano and AiLife Diagnostics); PubMed 18796364 (cited by Quest Diagnostics Nichols Institute San Juan Capistrano and AiLife Diagnostics); PubMed 19176844 (cited by Quest Diagnostics Nichols Institute San Juan Capistrano); PubMed 19459534 (cited by Quest Diagnostics Nichols Institute San Juan Capistrano); PubMed 20116881 (cited by Quest Diagnostics Nichols Institute San Juan Capistrano); PubMed 20619026 (cited by Quest Diagnostics Nichols Institute San Juan Capistrano); PubMed 21228398 (cited by Quest Diagnostics Nichols Institute San Juan Capistrano and AiLife Diagnostics); PubMed 21976147 (cited by Quest Diagnostics Nichols Institute San Juan Capistrano); PubMed 22366207 (cited by Quest Diagnostics Nichols Institute San Juan Capistrano); PubMed 22390181 (cited by Quest Diagnostics Nichols Institute San Juan Capistrano); PubMed 23168765 (cited by Quest Diagnostics Nichols Institute San Juan Capistrano); PubMed 23361109 (cited by Quest Diagnostics Nichols Institute San Juan Capistrano); PubMed 23378603 (cited by Quest Diagnostics Nichols Institute San Juan Capistrano); PubMed 23379606 (cited by Quest Diagnostics Nichols Institute San Juan Capistrano and AiLife Diagnostics); PubMed 23436935 (cited by Quest Diagnostics Nichols Institute San Juan Capistrano); PubMed 23656801 (cited by Quest Diagnostics Nichols Institute San Juan Capistrano and AiLife Diagnostics); PubMed 23751316 (cited by Quest Diagnostics Nichols Institute San Juan Capistrano); PubMed 23781395 (cited by Quest Diagnostics Nichols Institute San Juan Capistrano); PubMed 23883480 (cited by Quest Diagnostics Nichols Institute San Juan Capistrano); PubMed 23891399 (cited by Quest Diagnostics Nichols Institute San Juan Capistrano); PubMed 23907436 (cited by Quest Diagnostics Nichols Institute San Juan Capistrano); PubMed 24433235 (cited by Quest Diagnostics Nichols Institute San Juan Capistrano); PubMed 24435787 (cited by Quest Diagnostics Nichols Institute San Juan Capistrano and AiLife Diagnostics); PubMed 24440181 (cited by Quest Diagnostics Nichols Institute San Juan Capistrano and AiLife Diagnostics); PubMed 24696795 (cited by Quest Diagnostics Nichols Institute San Juan Capistrano); PubMed 25042876 (cited by Quest Diagnostics Nichols Institute San Juan Capistrano); PubMed 25330774 (cited by Quest Diagnostics Nichols Institute San Juan Capistrano); PubMed 25608981 (cited by Quest Diagnostics Nichols Institute San Juan Capistrano and AiLife Diagnostics); PubMed 25636364 (cited by Quest Diagnostics Nichols Institute San Juan Capistrano); PubMed 25697321 (cited by Quest Diagnostics Nichols Institute San Juan Capistrano); PubMed 25763566 (cited by Quest Diagnostics Nichols Institute San Juan Capistrano and AiLife Diagnostics); PubMed 25797027 (cited by Quest Diagnostics Nichols Institute San Juan Capistrano and AiLife Diagnostics); PubMed 26006199 (cited by Quest Diagnostics Nichols Institute San Juan Capistrano); PubMed 26149808 (cited by Quest Diagnostics Nichols Institute San Juan Capistrano and AiLife Diagnostics); PubMed 26800689 (cited by Quest Diagnostics Nichols Institute San Juan Capistrano); PubMed 26911355 (cited by Quest Diagnostics Nichols Institute San Juan Capistrano and AiLife Diagnostics); PubMed 26989879 (cited by Quest Diagnostics Nichols Institute San Juan Capistrano); PubMed 27171515 (cited by Quest Diagnostics Nichols Institute San Juan Capistrano); PubMed 27577878 (cited by Quest Diagnostics Nichols Institute San Juan Capistrano); PubMed 27660821 (cited by Quest Diagnostics Nichols Institute San Juan Capistrano); PubMed 27673710 (cited by Quest Diagnostics Nichols Institute San Juan Capistrano); PubMed 28492530 (cited by Quest Diagnostics Nichols Institute San Juan Capistrano); PubMed 28968805 (cited by Quest Diagnostics Nichols Institute San Juan Capistrano); PubMed 29261177 (cited by Quest Diagnostics Nichols Institute San Juan Capistrano and AiLife Diagnostics).